The following is an entry in ClinVar:

NM_001256789.3(CACNA1F):c.5417_5423del (p.Leu1806fs)

Gene: CACNA1F (calcium voltage-gated channel subunit alpha1 F; minus strand). Cytogenetic location: Xp11.23.
Variant type: Deletion.
Coding change: c.5417_5423del on transcript NM_001256789.3 (MANE Select); coding-DNA positions 5417 to 5423, 7 bases deleted (TACCCAT; older notation c.5417_5423delTACCCAT).
Protein change: p.Leu1806fs; shifts the reading frame from leucine 1806.
Molecular consequence: frameshift variant.
Genome position (GRCh38, 1-based): chrX:49,206,560-49,206,566, ATGGGTA deleted on the plus strand (TACCCAT on the coding strand, the reverse complement: CACNA1F is on the minus strand); deleting any 7 consecutive bases within chrX:49,206,560-49,206,567 gives the same sequence; the c. name uses the placement nearest the transcript's 3' end. VCF-style (leftmost placement, unchanged base first): chrX-49206559-GATGGGTA-G. GRCh37 (hg19) VCF-style: chrX-49063020-GATGGGTA-G.
Other names: c.5255_5261del, p.Leu1752fs (NM_001256790.3); c.5450_5456del, p.Leu1817fs (NM_005183.4); short protein forms L1752fs, L1806fs, L1817fs.
Identifiers: ClinVar variation 1996303 (VCV001996303.4), dbSNP rs2520689281, ClinGen allele CA2580101117.
Genomic context (GRCh38, chrX:49,206,559, plus strand): 5'-CCACAGCCTCACCTGAGCCCTATTGGGCCCTGAATTTCGCCCACGATGATAGGTGCCTGG[GATGGGTA>G]AATCCTCACAACTGCCCTGGCGCTGCAGACACTGGATGGTGAAGGAGGGCTTCCGACCTG-3'

ClinVar aggregate classification (germline): Uncertain significance (1 of 4 stars; one submission).

Submission:

Labcorp Genetics (formerly Invitae), Labcorp
Classification: Uncertain significance. Last evaluated: 2022-09-27. Review status: criteria provided, single submitter. Criteria: Invitae Variant Classification Sherloc (09022015). Collection method: clinical testing. Allele origin: germline.
Comment: This sequence change creates a premature translational stop signal (p.Leu1817Serfs*113) in the CACNA1F gene. While this is not anticipated to result in nonsense mediated decay, it is expected to disrupt the last 161 amino acid(s) of the CACNA1F protein. This variant is not present in population databases (gnomAD no frequency). This premature translational stop signal has been observed in individual(s) with rod cone dystrophy (Invitae). This variant disrupts the C-terminus of the CACNA1F protein. Other variant(s) that disrupt this region (p.His1889Metfs*43) have been observed in individuals with CACNA1F-related conditions (PMID: 11281458). This suggests that this may be a clinically significant region of the protein. In summary, the available evidence is currently insufficient to determine the role of this variant in disease. Therefore, it has been classified as a Variant of Uncertain Significance.

Literature cited by the submitters: PubMed 11281458.